The following is an entry in ClinVar:

ClinVar aggregate classification (germline): Likely benign. Review status: criteria provided, multiple submitters, no conflicts (2 of 4 stars). 2 submissions from 2 submitters: Likely benign (2). Last evaluated 2023-12-18.

Conditions:
Familial thoracic aortic aneurysm and aortic dissection (TAAD). Also called: Thoracic aortic aneurysms and dissections. Identifiers: Orphanet 91387, MedGen C4707243, MONDO:0019625.
Marfan syndrome (MFS). Also called: FBN1-Related Marfan Syndrome; MARFAN SYNDROME, TYPE I; Marfan syndrome type 1; Marfan's syndrome; Marfan syndrome, classic. Identifiers: Orphanet 284963, Orphanet 558, MedGen C0024796, MONDO:0007947, OMIM 154700.

Allele frequency attached by ClinVar (database versions not stated): ExAC 0.00001.

Submissions (2):

All of Us Research Program, National Institutes of Health
Classification: Likely benign for Marfan syndrome. Last evaluated: 2023-12-18. Review status: criteria provided, single submitter. Criteria: ACMG Guidelines, 2015. Collection method: clinical testing. Allele origin: germline. Inheritance: Autosomal dominant inheritance. Observed: 1 variant allele, 1 heterozygote.
Comment: This study involves interpretation of variants in research participants for the purpose of population health screening. Participant phenotype was not available at the time of variant classification. Additional details can be found in publication PMID: 35346344, PMCID: PMC8962531

Color Diagnostics, LLC DBA Color Health
Classification: Likely benign for Familial thoracic aortic aneurysm and aortic dissection. Last evaluated: 2023-04-10. Review status: criteria provided, single submitter. Criteria: ACMG Guidelines, 2015. Collection method: clinical testing. Allele origin: germline.

NM_000138.5(FBN1):c.249C>A (p.Pro83=)

Gene: FBN1 (fibrillin 1; minus strand). Cytogenetic location: 15q21.1.
Variant type: single nucleotide variant.
Coding change: c.249C>A on transcript NM_000138.5 (MANE Select); coding-DNA position 249, C replaced by A.
Protein change: p.Pro83=; no amino-acid change (proline 83 retained).
Molecular consequence: synonymous variant.
Genome position (GRCh38, 1-based): chr15:48,610,825, G>T on the plus strand (C>A on the coding strand, the complement: FBN1 is on the minus strand). VCF-style: chr15-48610825-G-T. GRCh37 (hg19) VCF-style: chr15-48903022-G-T.
Other names: c.249C>A, p.Pro83= (NM_001406717.1, NM_001406716.1).
Identifiers: ClinVar variation 2773406 (VCV002773406.3), dbSNP rs773473746, ClinGen allele CA047856.